The following is an entry in ClinVar:

ClinVar aggregate classification (germline): Conflicting classifications of pathogenicity. Review status: criteria provided, conflicting classifications (1 of 4 stars). 2 submissions from 2 submitters: Likely pathogenic (1); Uncertain significance (1). Last evaluated 2013-05-20.

Conditions:
Primary dilated cardiomyopathy (DCM). Also called: Dilated Cardiomyopathy. Identifiers: Orphanet 217604, MedGen C0007193, MeSH D002311, MONDO:0005021, HP:0001644. Inheritance: Various modes of inheritance.

Submissions (2):

GeneDx
Classification: Uncertain significance. Last evaluated: 2013-05-20. Review status: criteria provided, single submitter. Criteria: GeneDx Variant Classification (06012015). Collection method: clinical testing. Allele origin: germline. Affected: yes.
Comment: c.36687delA: p.Val12230SerfsX7 (V12230SfsX7) in exon 177 of the TTN gene (NM_001256850.1). The normal sequence with the base that is deleted in braces is: tagA{A}GTCA, with intronic sequence in lowercase letters and exonic sequence in uppercase letters. The c.36687delA variant in the TTN gene has not been reported previously as a disease-causing mutation or as a benign polymorphism, to our knowledge. This variant causes a shift in reading frame starting at codon Valine 12230, changing it to a Serine, and creating a premature stop codon at position 7 of the new reading frame, denoted p.Val12230SerfsX7. This variant is expected to result in either an abnormal, truncated protein product or loss of protein from this allele through nonsense-mediated mRNA decay. However, truncating TTN variants have been reported in approximately 3% of control alleles (Herman D et al., 2012), and c.36687delA is not located in the A-band region of titin, where the majority of truncating mutations associated with DCM have been reported (Herman D et al., 2012). With the clinical and molecular information available at this time, we cannot definitively determine if c.36687delA is a disease-causing mutation or a rare benign variant. The variant is found in DCM panel(s).

Laboratory for Molecular Medicine, Mass General Brigham Personalized Medicine
Classification: Likely pathogenic for Primary dilated cardiomyopathy. Last evaluated: 2011-11-16. Review status: criteria provided, single submitter. Criteria: LMM Criteria. Collection method: clinical testing. Allele origin: germline. Inheritance: Autosomal dominant inheritance. Observed: 1 variant allele.
Comment: This variant is predicted to cau se a frameshift, which alters the protein's amino acid sequence beginning at cod on 11303 and leads to a premature stop codon 7 amino acids downstream. This alte ration is then predicted to lead to a truncated or absent protein (loss of funct ion). Loss of function variants in TTN are common in patients with DCM (Jon Seid man, pers. comm.). In summary, this variant is likely to be pathogenic.

NM_001267550.2(TTN):c.41610del (p.Val13871fs)

Gene: TTN (titin; minus strand). Cytogenetic location: 2q31.2.
Variant type: Deletion.
Coding change: c.41610del on transcript NM_001267550.2 (MANE Select); coding-DNA position 41610, one base deleted (A; older notation c.41610delA).
Protein change: p.Val13871fs; shifts the reading frame from valine 13871.
Molecular consequence: frameshift variant.
Genome position (GRCh38, 1-based): chr2:178,635,714, T deleted on the plus strand (A on the coding strand, the reverse complement: TTN is on the minus strand); the first of 2 consecutive T bases (chr2:178,635,714-178,635,715); deleting either gives the same sequence. VCF-style (leftmost placement, unchanged base first): chr2-178635713-CT-C. GRCh37 (hg19) VCF-style: chr2-179500440-CT-C.
Other names: c.33906delA (NM_133378.4); c.36687del, p.Val12230fs (NM_001256850.1); c.14415del, p.Val4806fs (NM_003319.4); c.33906del, p.Val11303fs (NM_133378.4); c.14790del, p.Val4931fs (NM_133432.3); c.14991del, p.Val4998fs (NM_133437.4); c.36687delA (NM_001256850.1); short protein forms V11303fs, V13871fs, V4806fs, V12230fs, V4931fs, V4998fs.
Identifiers: ClinVar variation 46947 (VCV000046947.5), dbSNP rs397517565, ClinGen allele CA261853.